The following is an entry in ClinVar:

ClinVar aggregate classification (germline): Uncertain significance (1 of 4 stars; one submission).

Conditions:
Peutz-Jeghers syndrome (PJS). Also called: POLYPOSIS, HAMARTOMATOUS INTESTINAL; POLYPS-AND-SPOTS SYNDROME; Peutz-Jeghers polyposis; Periorificial lentiginosis syndrome. Identifiers: Orphanet 2869, MedGen C0031269, MeSH D010580, MONDO:0008280, OMIM 175200.

Submission:

Labcorp Genetics (formerly Invitae), Labcorp
Classification: Uncertain significance for Peutz-Jeghers syndrome. Last evaluated: 2018-04-27. Review status: criteria provided, single submitter. Criteria: Invitae Variant Classification Sherloc (09022015). Collection method: clinical testing. Allele origin: germline.
Comment: This sequence change results in a frameshift in the STK11 gene (p.Ser419Leufs*186). While this is not anticipated to result in nonsense mediated decay, it is expected to disrupt the last 15 amino acids of the STK11 protein and extend the protein by an additional 170 amino acids. Experimental studies and prediction algorithms are not available for this variant, and the functional significance of the disrupted amino acids is currently unknown. In summary, the available evidence is currently insufficient to determine the role of this variant in disease. Therefore, it has been classified as a Variant of Uncertain Significance. This variant has not been reported in the literature in individuals with STK11-related disease. While this variant is not present in population databases, the frequency information is unreliable, as metrics indicate poor data quality at this position in the ExAC database.

NM_000455.5(STK11):c.1255_1256insTGAT (p.Ser419fs)

Gene: STK11 (serine/threonine kinase 11; plus strand). Cytogenetic location: 19p13.3.
Variant type: Insertion.
Coding change: c.1255_1256insTGAT on transcript NM_000455.5 (MANE Select); coding-DNA positions 1255 to 1256, TGAT inserted.
Protein change: p.Ser419fs; shifts the reading frame from serine 419.
Molecular consequence: frameshift variant.
Genome position: GRCh38 VCF-style: chr19-1226599-C-CTTGA. GRCh37 (hg19) VCF-style: chr19-1226598-C-CTTGA.
Other names: short protein forms S419fs.
Identifiers: ClinVar variation 574993 (VCV000574993.8), dbSNP rs1568717471, ClinGen allele CA891844256.
Genomic context (GRCh38, chr19:1,226,599, plus strand): 5'-GCAGCTGAGCACCAAATCCAGGGCGGAGGGCCGGGCCCCCAACCCTGCCCGCAAGGCCTG[C>CTTGA]TCCGCCAGCAGCAAGATCCGCCGGCTGTCGGCCTGCAAGCAGCAGTGAGGCTGGCCGCCT-3'